The following is an entry in ClinVar:

ClinVar aggregate classification (germline): Likely benign (1 of 4 stars; one submission).

Allele frequency attached by ClinVar (database versions not stated): ESP Exome Variant Server 0.00023; TOPMed 0.00062; gnomAD exomes 0.00099; gnomAD 0.00186; ExAC 0.00243; 1000 Genomes Project 30x 0.00265; 1000 Genomes Project 0.00280.

Submission:

CeGaT Center for Human Genetics Tuebingen
Classification: Likely benign. Last evaluated: 2023-09-01. Review status: criteria provided, single submitter. Criteria: CeGaT Center For Human Genetics Tuebingen Variant Classification Criteria Version 2. Collection method: clinical testing. Allele origin: germline. Affected: yes. Observed: 2 variant alleles.
Comment: WASF1: BS1

NM_003931.3(WASF1):c.-28-6C>T

Gene: WASF1 (WASP family member 1; minus strand). Cytogenetic location: 6q21.
Variant type: single nucleotide variant.
Coding change: c.-28-6C>T on transcript NM_003931.3 (MANE Select); 6 bases into the intron before 28 bases upstream of the start codon, C replaced by T.
Molecular consequence: intron variant.
Genome position (GRCh38, 1-based): chr6:110,127,635, G>A on the plus strand (C>T on the coding strand, the complement: WASF1 is on the minus strand). VCF-style: chr6-110127635-G-A. GRCh37 (hg19) VCF-style: chr6-110448838-G-A.
Other names: c.-28-6C>T (NM_001024936.2, NM_001024935.2, NM_001024934.2).
Identifiers: ClinVar variation 2656844 (VCV002656844.24), dbSNP rs140688603, ClinGen allele CA3957081.